The following is an entry in ClinVar:

ClinVar aggregate classification (germline): Benign/Likely benign. Review status: criteria provided, multiple submitters, no conflicts (2 of 4 stars). 3 submissions from 3 submitters: Benign (1); Likely benign (2). Last evaluated 2024-09-18.

Conditions:
Hereditary cancer-predisposing syndrome. Also called: Neoplastic Syndromes, Hereditary; Hereditary Cancer Syndrome; Hereditary neoplastic syndrome; Tumor predisposition. Identifiers: Orphanet 140162, MedGen C0027672, MeSH D009386, MONDO:0015356.
Hereditary diffuse gastric adenocarcinoma (HDGC). Also called: DIFFUSE GASTRIC AND LOBULAR BREAST CANCER SYNDROME. Identifiers: Orphanet 26106, MedGen C1708349, MONDO:0007648, OMIM 137215.

Submissions (3):

Myriad Genetics, Inc.
Classification: Benign for Hereditary diffuse gastric adenocarcinoma. Last evaluated: 2024-09-18. Review status: criteria provided, single submitter. Criteria: Myriad Autosomal Dominant, Autosomal Recessive and X-Linked Classification Criteria (2023). Collection method: clinical testing. Allele origin: unknown.
Comment: This variant is considered benign. This variant is a silent/synonymous amino acid change and it is not expected to impact splicing.

Ambry Genetics
Classification: Likely benign for Hereditary cancer-predisposing syndrome. Last evaluated: 2024-08-07. Review status: criteria provided, single submitter. Criteria: Ambry Variant Classification Scheme 2023. Collection method: clinical testing. Allele origin: germline.

Labcorp Genetics (formerly Invitae), Labcorp
Classification: Likely benign for Hereditary diffuse gastric adenocarcinoma. Last evaluated: 2019-02-24. Review status: criteria provided, single submitter. Criteria: Invitae Variant Classification Sherloc (09022015). Collection method: clinical testing. Allele origin: germline.

NM_004360.5(CDH1):c.1354C>T (p.Leu452=)

Gene: CDH1 (cadherin 1; plus strand). Cytogenetic location: 16q22.1.
Variant type: single nucleotide variant.
Coding change: c.1354C>T on transcript NM_004360.5 (MANE Select); coding-DNA position 1354, C replaced by T.
Protein change: p.Leu452=; no amino-acid change (leucine 452 retained).
Molecular consequence: synonymous variant. On other transcripts: 5 prime UTR variant (2).
Genome position (GRCh38, 1-based): chr16:68,815,548, C>T. VCF-style: chr16-68815548-C-T. GRCh37 (hg19) VCF-style: chr16-68849451-C-T.
Other names: c.1354C>T (NM_004360.3); c.1171C>T, p.Leu391= (NM_001317184.2); c.-195C>T (NM_001317185.2); c.-466C>T (NM_001317186.2).
Identifiers: ClinVar variation 1118121 (VCV001118121.11), dbSNP rs1597897808, ClinGen allele CA496153928.
Genomic context (GRCh38, chr16:68,815,548, plus strand): 5'-TTTAACTTCATTGTTTCTGCTCTCTAGGGCTTGGATTTTGAGGCCAAGCAGCAGTACATT[C>T]TACACGTAGCAGTGACGAATGTGGTACCTTTTGAGGTCTCTCTCACCACCTCCACAGCCA-3'
Protein context (NP_004351.1, residues 442-462): LDFEAKQQYI[Leu452=]HVAVTNVVPF